The following is an entry in ClinVar:

NM_000124.4(ERCC6):c.3005A>G (p.Tyr1002Cys)

Gene: ERCC6 (ERCC excision repair 6, chromatin remodeling factor; minus strand). Cytogenetic location: 10q11.23.
Variant type: single nucleotide variant.
Coding change: c.3005A>G on transcript NM_000124.4 (MANE Select); coding-DNA position 3005, A replaced by G.
Protein change: p.Tyr1002Cys; replaces tyrosine 1002 with cysteine.
Molecular consequence: missense variant.
Genome position (GRCh38, 1-based): chr10:49,471,040, T>C on the plus strand (A>G on the coding strand, the complement: ERCC6 is on the minus strand). VCF-style: chr10-49471040-T-C. GRCh37 (hg19) VCF-style: chr10-50679086-T-C.
Other names: c.3005A>G, p.Tyr1002Cys (NM_001346440.2); short protein forms Y1002C.
Identifiers: ClinVar variation 2045612 (VCV002045612.2), dbSNP rs4253206, ClinGen allele CA5495451.
Genomic context (GRCh38, chr10:49,471,040, plus strand): 5'-AAAATTGCACTTGTTTCAGTGCTCTGGGATGCATCAGGACTAGTCAGAGTAAATAGCTCA[T>C]AGAGATCATTGGATTTGAAAAACCGCCTTTGTTTTGGGTCTTTTAGCACTCTATTTGTCA-3'
Protein context (NP_000115.1, residues 992-1012): QRRFFKSNDL[Tyr1002Cys]ELFTLTSPDA

ClinVar aggregate classification (germline): Uncertain significance. Review status: criteria provided, multiple submitters, no conflicts (2 of 4 stars). 2 submissions from 2 submitters: Uncertain significance (2). Last evaluated 2023-12-22.

Conditions:
Inborn genetic diseases. Identifiers: MedGen C0950123, MeSH D030342.

Allele frequency attached by ClinVar (database versions not stated): ExAC 0.00002; gnomAD 0.00009; TOPMed 0.00011; ESP Exome Variant Server 0.00015; 1000 Genomes Project 30x 0.00016; 1000 Genomes Project 0.00020.
gnomAD v4.1: 32 of 1,614,108 alleles (0.002%); highest among the groups gnomAD compares: African/African-American, 0.037%; no homozygotes.

Submissions (2):

Ambry Genetics
Classification: Uncertain significance for Inborn genetic diseases. Last evaluated: 2023-12-22. Review status: criteria provided, single submitter. Criteria: Ambry Variant Classification Scheme 2023. Collection method: clinical testing. Allele origin: germline.

Labcorp Genetics (formerly Invitae), Labcorp
Classification: Uncertain significance. Last evaluated: 2022-05-25. Review status: criteria provided, single submitter. Criteria: Invitae Variant Classification Sherloc (09022015). Collection method: clinical testing. Allele origin: germline.
Comment: This sequence change replaces tyrosine, which is neutral and polar, with cysteine, which is neutral and slightly polar, at codon 1002 of the ERCC6 protein (p.Tyr1002Cys). This variant is present in population databases (rs4253206, gnomAD 0.02%). This variant has not been reported in the literature in individuals affected with ERCC6-related conditions. Algorithms developed to predict the effect of missense changes on protein structure and function (SIFT, PolyPhen-2, Align-GVGD) all suggest that this variant is likely to be disruptive. Algorithms developed to predict the effect of sequence changes on RNA splicing suggest that this variant may create or strengthen a splice site. In summary, the available evidence is currently insufficient to determine the role of this variant in disease. Therefore, it has been classified as a Variant of Uncertain Significance.